The following is an entry in ClinVar:

ClinVar aggregate classification (germline): Conflicting classifications of pathogenicity. Review status: criteria provided, conflicting classifications (1 of 4 stars). 3 submissions from 3 submitters: Uncertain significance (1); Likely benign (2). Last evaluated 2025-10-16.

Conditions:
Adams-Oliver syndrome 5 (AOS5). Identifiers: Orphanet 974, MedGen C4014970, MONDO:0014459, OMIM 616028.
Familial thoracic aortic aneurysm and aortic dissection (TAAD). Also called: Thoracic aortic aneurysms and dissections. Identifiers: Orphanet 91387, MedGen C4707243, MONDO:0019625.

Allele frequency attached by ClinVar (database versions not stated): TOPMed 0.00002; gnomAD 0.00003 and 0.00006; gnomAD exomes 0.00006 and 0.00010; ExAC 0.00009; 1000 Genomes Project 30x 0.00016; 1000 Genomes Project 0.00020.
gnomAD v4.1: 151 of 1,592,546 alleles (0.0095%); highest among the groups gnomAD compares: East Asian, 0.3%; 1 homozygote.

Submissions (3):

Labcorp Genetics (formerly Invitae), Labcorp
Classification: Uncertain significance for Adams-Oliver syndrome 5. Last evaluated: 2025-10-16. Review status: criteria provided, single submitter. Criteria: Invitae Variant Classification Sherloc (09022015). Collection method: clinical testing. Allele origin: germline.
Comment: This sequence change affects codon 518 of the NOTCH1 mRNA. It is a 'silent' change, meaning that it does not change the encoded amino acid sequence of the NOTCH1 protein. It affects a nucleotide within the consensus splice site. This variant is present in population databases (rs190721271, gnomAD 0.06%), and has an allele count higher than expected for a pathogenic variant. This variant has not been reported in the literature in individuals affected with NOTCH1-related conditions. ClinVar contains an entry for this variant (Variation ID: 508333). Algorithms developed to predict the effect of sequence changes on RNA splicing suggest that this variant is not likely to affect RNA splicing. In summary, the available evidence is currently insufficient to determine the role of this variant in disease. Therefore, it has been classified as a Variant of Uncertain Significance.

GeneDx
Classification: Likely benign. Last evaluated: 2020-10-15. Review status: criteria provided, single submitter. Criteria: GeneDx Variant Classification Process June 2021. Collection method: clinical testing. Allele origin: germline. Affected: yes.

Ambry Genetics
Classification: Likely benign for Familial thoracic aortic aneurysm and aortic dissection. Last evaluated: 2018-04-26. Review status: criteria provided, single submitter. Criteria: Ambry Variant Classification Scheme 2023. Collection method: clinical testing. Allele origin: germline.

NM_017617.5(NOTCH1):c.1554G>A (p.Thr518=)

Gene: NOTCH1 (notch receptor 1; minus strand). Cytogenetic location: 9q34.3.
Variant type: single nucleotide variant.
Coding change: c.1554G>A on transcript NM_017617.5 (MANE Select); coding-DNA position 1554, G replaced by A.
Protein change: p.Thr518=; no amino-acid change (threonine 518 retained).
Molecular consequence: synonymous variant.
Genome position (GRCh38, 1-based): chr9:136,517,273, C>T on the plus strand (G>A on the coding strand, the complement: NOTCH1 is on the minus strand). VCF-style: chr9-136517273-C-T. GRCh37 (hg19) VCF-style: chr9-139411725-C-T.
Other names: c.1554G>A, p.Thr518= (LRG_1122t1).
Identifiers: ClinVar variation 508333 (VCV000508333.16), dbSNP rs190721271, ClinGen allele CA5341749.